The following is an entry in ClinVar:

NM_000051.4(ATM):c.8471G>A (p.Cys2824Tyr)

Genes: ATM (ATM serine/threonine kinase; plus strand), C11orf65 (chromosome 11 open reading frame 65; minus strand). Cytogenetic location: 11q22.3.
Variant type: single nucleotide variant.
Coding change: c.8471G>A on transcript NM_000051.4 (MANE Select); coding-DNA position 8471, G replaced by A.
Protein change: p.Cys2824Tyr; replaces cysteine 2824 with tyrosine.
Molecular consequence: missense variant. On other transcripts: intron variant (2).
Genome position (GRCh38, 1-based): chr11:108,345,795, G>A. VCF-style: chr11-108345795-G-A. GRCh37 (hg19) VCF-style: chr11-108216522-G-A.
Other names: c.8471G>A, p.Cys2824Tyr (NM_001351834.2); c.641-36724C>T (NM_001330368.2); c.695-10503C>T (NM_001351110.2); short protein forms C2824Y.
Identifiers: ClinVar variation 234209 (VCV000234209.16), dbSNP rs876660927, ClinGen allele CA10579300.

ClinVar aggregate classification (germline): Uncertain significance. Review status: criteria provided, multiple submitters, no conflicts (2 of 4 stars). 4 submissions from 4 submitters: Uncertain significance (4). Last evaluated 2025-07-08.

Conditions:
Hereditary cancer-predisposing syndrome. Also called: Neoplastic Syndromes, Hereditary; Hereditary neoplastic syndrome; Tumor predisposition; Hereditary Cancer Syndrome. Identifiers: Orphanet 140162, MedGen C0027672, MeSH D009386, MONDO:0015356.
Ataxia-telangiectasia syndrome (AT). Also called: Ataxia telangiectasia (A-T); Cerebello-oculocutaneous telangiectasia; Immunodeficiency with ataxia telangiectasia; LOUIS-BAR SYNDROME; AT, COMPLEMENTATION GROUP C; ATAXIA-TELANGIECTASIA, FRESNO VARIANT. Identifiers: Orphanet 100, MedGen C0004135, MONDO:0008840, OMIM 208900.

Allele frequency attached by ClinVar (database versions not stated): gnomAD exomes 0.00001.
gnomAD v4.1: 3 of 1,613,700 alleles (0.00019%); highest among the groups gnomAD compares: East Asian, 0.0067%; no homozygotes.

Submissions (4):

Women's Health and Genetics/Laboratory Corporation of America, LabCorp
Classification: Uncertain significance. Last evaluated: 2025-07-08. Review status: criteria provided, single submitter. Criteria: LabCorp Variant Classification Summary - May 2015. Collection method: clinical testing. Allele origin: germline.
Comment: Variant summary: ATM c.8471G>A (p.Cys2824Tyr) results in a non-conservative amino acid change located in the Phosphatidylinositol 3-/4-kinase, catalytic domain of the encoded protein sequence. Algorithms developed to predict the effect of missense changes on protein structure and function all suggest that this variant is likely to be disruptive. The variant allele was found at a frequency of 3.6e-06 in 276290 control chromosomes. The available data on variant occurrences in the general population are insufficient to allow any conclusion about variant significance. To our knowledge, no occurrence of c.8471G>A in individuals affected with Ataxia-telangiectasia syndrome has been reported. At least one publication reports experimental evidence evaluating an impact on protein function, however, does not allow convincing conclusions about the variant effect (Watters_1997). The following publications have been ascertained in the context of this evaluation (PMID: 22529920, 30287823, 9150358). ClinVar contains an entry for this variant (Variation ID: 234209). Based on the evidence outlined above, the variant was classified as uncertain significance.

Labcorp Genetics (formerly Invitae), Labcorp
Classification: Uncertain significance for Ataxia-telangiectasia syndrome. Last evaluated: 2024-12-19. Review status: criteria provided, single submitter. Criteria: Invitae Variant Classification Sherloc (09022015). Collection method: clinical testing. Allele origin: germline.
Comment: This sequence change replaces cysteine, which is neutral and slightly polar, with tyrosine, which is neutral and polar, at codon 2824 of the ATM protein (p.Cys2824Tyr). This variant is not present in population databases (gnomAD no frequency). This missense change has been observed in individual(s) with breast cancer and ataxia telangiectasia (PMID: 9150358, 30287823). ClinVar contains an entry for this variant (Variation ID: 234209). Invitae Evidence Modeling of protein sequence and biophysical properties (such as structural, functional, and spatial information, amino acid conservation, physicochemical variation, residue mobility, and thermodynamic stability) indicates that this missense variant is expected to disrupt ATM protein function with a positive predictive value of 95%. Experimental studies are conflicting or provide insufficient evidence to determine the effect of this variant on ATM function (PMID: 9150358). In summary, the available evidence is currently insufficient to determine the role of this variant in disease. Therefore, it has been classified as a Variant of Uncertain Significance.

Color Diagnostics, LLC DBA Color Health
Classification: Uncertain significance for Hereditary cancer-predisposing syndrome. Last evaluated: 2021-11-18. Review status: criteria provided, single submitter. Criteria: ACMG Guidelines, 2015. Collection method: clinical testing. Allele origin: germline.
Comment: This missense variant replaces cysteine with tyrosine at codon 2824 of the ATM protein. Computational prediction suggests that this variant may have deleterious impact on protein structure and function (internally defined REVEL score threshold >= 0.7, PMID: 27666373). This variant has been reported in the compound heterozygous state in an individual affected with ataxia-telangiectasia (PMID: 9150358). A cell line derived from this individual showed undetectable levels of protein expression (PMID: 9150358). This variant has also been reported in at least two individuals affected with breast cancer (PMID: 30287823). This variant has not been identified in the general population by the Genome Aggregation Database (gnomAD). The available evidence is insufficient to determine the role of this variant in disease conclusively. Therefore, this variant is classified as a Variant of Uncertain Significance.

Ambry Genetics
Classification: Uncertain significance for Hereditary cancer-predisposing syndrome. Last evaluated: 2015-10-05. Review status: criteria provided, single submitter. Criteria: Ambry Variant Classification Scheme 2023. Collection method: clinical testing. Allele origin: germline.
Comment: The p.C2824Y variant (also known as c.8471G>A), located in coding exon 57 of the ATM gene, results from a G to A substitution at nucleotide position 8471. The cysteine at codon 2824 is replaced by tyrosine, an amino acid with highly dissimilar properties. This alteration was reported in the heterozygous state in one individual from a cohort of individuals affected with ataxia telangiectasia. Functional studies demonstrated a loss of ATM protein expression in cell lines from this individual; however, a second mutation was not identified in this individual (Watters D et al. Oncogene 1997 Apr;14(16):1911-21). This variant was not reported in population based cohorts in the following databases: Database of Single Nucleotide Polymorphisms (dbSNP), NHLBI Exome Sequencing Project (ESP), and 1000 Genomes Project. In the ESP, this variant was not observed in 6498 samples (12996 alleles) with coverage at this position. To date, this alteration has been detected with an allele frequency of approximately 0.002% (greater than 125000 alleles tested) in our clinical cohort. This amino acid position is highly conserved in available vertebrate species. In addition, this alteration is predicted to be deleterious by in silico analysis. Since supporting evidence is still limited at this time, the clinical significance of p.C2824Y remains unclear.

Literature cited by the submitters: PubMed 22529920 (cited by Women's Health and Genetics/Laboratory Corporation of America, LabCorp); PubMed 30287823 (cited by 3 submitters); PubMed 9150358 (cited by 4 submitters).